The following is an entry in ClinVar:

NM_001375405.1(CEP120):c.1862G>T (p.Gly621Val)

Gene: CEP120 (centrosomal protein 120; minus strand). Cytogenetic location: 5q23.2.
Variant type: single nucleotide variant.
Coding change: c.1862G>T on transcript NM_001375405.1 (MANE Select); coding-DNA position 1862, G replaced by T.
Protein change: p.Gly621Val; replaces glycine 621 with valine.
Molecular consequence: missense variant. On other transcripts: non-coding transcript variant (1).
Genome position (GRCh38, 1-based): chr5:123,382,888, C>A on the plus strand (G>T on the coding strand, the complement: CEP120 is on the minus strand). VCF-style: chr5-123382888-C-A. GRCh37 (hg19) VCF-style: chr5-122718582-C-A.
Other names: c.1784G>T, p.Gly595Val (NM_001166226.2); c.1727G>T, p.Gly576Val (NM_001375406.1); c.1862G>T, p.Gly621Val (NM_001375407.1, NM_153223.4); c.1289G>T, p.Gly430Val (NM_001375408.1, NM_001375409.1); short protein forms G430V, G576V, G595V, G621V.
Identifiers: ClinVar variation 2878418 (VCV002878418.3), dbSNP rs2479304795, ClinGen allele CA360900943.

ClinVar aggregate classification (germline): Uncertain significance (1 of 4 stars; one submission).

Conditions:
Short-rib thoracic dysplasia 13 with or without polydactyly (SRTD13). Identifiers: Orphanet 474, MedGen C4225378, MONDO:0014577, OMIM 616300.

Submission:

Labcorp Genetics (formerly Invitae), Labcorp
Classification: Uncertain significance for Short-rib thoracic dysplasia 13 with or without polydactyly. Last evaluated: 2022-12-30. Review status: criteria provided, single submitter. Criteria: Invitae Variant Classification Sherloc (09022015). Collection method: clinical testing. Allele origin: germline.
Comment: This variant has not been reported in the literature in individuals affected with CEP120-related conditions. In summary, the available evidence is currently insufficient to determine the role of this variant in disease. Therefore, it has been classified as a Variant of Uncertain Significance. Algorithms developed to predict the effect of missense changes on protein structure and function output the following: SIFT: "Tolerated"; PolyPhen-2: "Benign"; Align-GVGD: "Class C0". The valine amino acid residue is found in multiple mammalian species, which suggests that this missense change does not adversely affect protein function. This variant is not present in population databases (gnomAD no frequency). This sequence change replaces glycine, which is neutral and non-polar, with valine, which is neutral and non-polar, at codon 621 of the CEP120 protein (p.Gly621Val).